The following is an entry in ClinVar:

NM_002666.5(PLIN1):c.36A>C (p.Gly12=)

Gene: PLIN1 (perilipin 1; minus strand). Cytogenetic location: 15q26.1.
Variant type: single nucleotide variant.
Coding change: c.36A>C on transcript NM_002666.5 (MANE Select); coding-DNA position 36, A replaced by C.
Protein change: p.Gly12=; no amino-acid change (glycine 12 retained).
Molecular consequence: synonymous variant.
Genome position (GRCh38, 1-based): chr15:89,677,454, T>G on the plus strand (A>C on the coding strand, the complement: PLIN1 is on the minus strand). VCF-style: chr15-89677454-T-G. GRCh37 (hg19) VCF-style: chr15-90220685-T-G.
Other names: c.36A>C, p.Gly12= (NM_001145311.2).
Identifiers: ClinVar variation 4822249 (VCV004822249.4).

ClinVar aggregate classification (germline): Likely benign (1 of 4 stars; one submission).

Submission:

CeGaT Center for Human Genetics Tuebingen
Classification: Likely benign. Last evaluated: 2026-01-01. Review status: criteria provided, single submitter. Criteria: CeGaT Center For Human Genetics Tuebingen Variant Classification Criteria Version 2. Collection method: clinical testing. Allele origin: germline. Affected: yes. Observed: 1 variant allele.
Comment: PLIN1: BP4